The following is an entry in ClinVar:

ClinVar aggregate classification (germline): Uncertain significance. Review status: criteria provided, multiple submitters, no conflicts (2 of 4 stars). 2 submissions from 2 submitters: Uncertain significance (2). Last evaluated 2026-03-06.

Conditions:
Inborn genetic diseases. Identifiers: MedGen C0950123, MeSH D030342.

Allele frequency attached by ClinVar (database versions not stated): gnomAD exomes below 0.00001; TOPMed below 0.00001; gnomAD 0.00001; ExAC 0.00002.
gnomAD v4.1: 3 of 1,559,260 alleles (0.00019%); highest among the groups gnomAD compares: Non-Finnish European, 0.00026%; no homozygotes.

Submissions (2):

GeneDx
Classification: Uncertain significance. Last evaluated: 2026-03-06. Review status: criteria provided, single submitter. Criteria: GeneDx Variant Classification Process June 2021. Collection method: clinical testing. Allele origin: germline.
Comment: In silico analysis suggests that this missense variant does not alter protein structure/function; Has not been previously published as pathogenic or benign to our knowledge

Ambry Genetics
Classification: Uncertain significance for Inborn genetic diseases. Last evaluated: 2022-12-15. Review status: criteria provided, single submitter. Criteria: Ambry Variant Classification Scheme 2023. Collection method: clinical testing. Allele origin: germline.

NM_001080508.3(TBX18):c.1816A>G (p.Met606Val)

Gene: TBX18 (T-box transcription factor 18; minus strand). Cytogenetic location: 6q14.3.
Variant type: single nucleotide variant.
Coding change: c.1816A>G on transcript NM_001080508.3 (MANE Select); coding-DNA position 1816, A replaced by G.
Protein change: p.Met606Val; replaces methionine 606 with valine.
Molecular consequence: missense variant.
Genome position (GRCh38, 1-based): chr6:84,736,693, T>C on the plus strand (A>G on the coding strand, the complement: TBX18 is on the minus strand). VCF-style: chr6-84736693-T-C. GRCh37 (hg19) VCF-style: chr6-85446411-T-C.
Other names: c.1816A>G (NM_001080508.2); short protein forms M606V.
Identifiers: ClinVar variation 2335626 (VCV002335626.3), dbSNP rs780097355, ClinGen allele CA3910777.